The following is an entry in ClinVar:

ClinVar aggregate classification (germline): Uncertain significance. Review status: criteria provided, multiple submitters, no conflicts (2 of 4 stars). 2 submissions from 2 submitters: Uncertain significance (2). Last evaluated 2022-07-01.

Conditions:
Hereditary sensory and autonomic neuropathy type 6. Also called: Neuropathy, hereditary sensory and autonomic, type VI; HSAN VI. Identifiers: Orphanet 314381, MedGen C3539003, MONDO:0013839, OMIM 614653.
Epidermolysis bullosa simplex 3, localized or generalized intermediate, with BP230 deficiency (EBS3). Also called: Epidermolysis bullosa simplex, autosomal recessive 2; Epidermolysis bullosa simplex due to BP230 deficiency. Identifiers: Orphanet 412181, MedGen C3809470, MONDO:0014180, OMIM 615425.
Inborn genetic diseases. Identifiers: MedGen C0950123, MeSH D030342.

Allele frequency attached by ClinVar (database versions not stated): ExAC 0.00001; gnomAD exomes 0.00001 and 0.00003; TOPMed 0.00001; gnomAD 0.00002.
gnomAD v4.1: 40 of 1,613,682 alleles (0.0025%); highest among the groups gnomAD compares: Non-Finnish European, 0.0033%; no homozygotes.

Submissions (2):

Ambry Genetics
Classification: Uncertain significance for Inborn genetic diseases. Last evaluated: 2022-07-01. Review status: criteria provided, single submitter. Criteria: Ambry Variant Classification Scheme 2023. Collection method: clinical testing. Allele origin: germline.
Comment: The p.E2039G variant (also known as c.6116A>G), located in coding exon 42 of the DST gene, results from an A to G substitution at nucleotide position 6116. The glutamic acid at codon 2039 is replaced by glycine, an amino acid with similar properties. This amino acid position is not well conserved in available vertebrate species, and glycine is the reference amino acid in other vertebrate species. In addition, this alteration is predicted to be tolerated by in silico analysis. Since supporting evidence is limited at this time, the clinical significance of this alteration remains unclear.

Labcorp Genetics (formerly Invitae), Labcorp
Classification: Uncertain significance for Epidermolysis bullosa simplex 3, localized or generalized intermediate, with BP230 deficiency; Hereditary sensory and autonomic neuropathy type 6. Last evaluated: 2020-04-15. Review status: criteria provided, single submitter. Criteria: Invitae Variant Classification Sherloc (09022015). Collection method: clinical testing. Allele origin: germline.
Comment: In summary, the available evidence is currently insufficient to determine the role of this variant in disease. Therefore, it has been classified as a Variant of Uncertain Significance. Algorithms developed to predict the effect of missense changes on protein structure and function are either unavailable or do not agree on the potential impact of this missense change (SIFT: "Tolerated"; PolyPhen-2: "Not Available"; Align-GVGD: "Class C0"). This variant has not been reported in the literature in individuals with DST-related conditions. This variant is present in population databases (rs749444940, ExAC 0.001%). This sequence change replaces glutamic acid with glycine at codon 1535 of the DST protein (p.Glu1535Gly). The glutamic acid residue is moderately conserved and there is a moderate physicochemical difference between the two amino acids. The DST gene has multiple clinically relevant transcripts. This variant occurs in alternate transcript NM_015548.4, and corresponds to NM_001723.5:c.*21601A>G in the primary transcript.

NM_001374736.1(DST):c.12473A>G (p.Glu4158Gly)

Genes: DST (dystonin; minus strand), LOC129996656 (ATAC-STARR-seq lymphoblastoid active region 24702; plus strand). Cytogenetic location: 6p12.1.
Variant type: single nucleotide variant.
Coding change: c.12473A>G on transcript NM_001374736.1 (MANE Select); coding-DNA position 12473, A replaced by G.
Protein change: p.Glu4158Gly; replaces glutamic acid 4158 with glycine.
Molecular consequence: missense variant.
Genome position (GRCh38, 1-based): chr6:56,593,916, T>C on the plus strand (A>G on the coding strand, the complement: DST is on the minus strand). VCF-style: chr6-56593916-T-C. GRCh37 (hg19) VCF-style: chr6-56458714-T-C.
Other names: c.6116A>G, p.Glu2039Gly (NM_001144769.5); c.5702A>G, p.Glu1901Gly (NM_001144770.2); c.12473A>G, p.Glu4158Gly (NM_001374722.1); c.11840A>G, p.Glu3947Gly (NM_001374729.1); c.5582A>G, p.Glu1861Gly (NM_001374730.1, NM_183380.4); c.12500A>G, p.Glu4167Gly (NM_001374734.1); c.4604A>G, p.Glu1535Gly (NM_015548.5); short protein forms E4167G, E1535G, E1901G, E3947G, E1861G, E4158G, E2039G.
Identifiers: ClinVar variation 965580 (VCV000965580.8), dbSNP rs749444940, ClinGen allele CA3868447.
Genomic context (GRCh38, chr6:56,593,916, plus strand): 5'-TTCTGCCTCTTCAATTTGGTCATTAAACCATTGATGTCATCTGCACCTGCCTCCAGGTTT[T>C]CAAGTTCTTGTTCTGACTGCTGTAGCCAGTGCTCAAACTCGGTATAGTCAGCATCAAACT-3'
Protein context (NP_001361665.1, residues 4148-4168): HWLQQSEQEL[Glu4158Gly]NLEAGADDIN